The following is an entry in ClinVar:

NM_000179.3(MSH6):c.2295C>G (p.Cys765Trp)

Gene: MSH6 (mutS homolog 6; plus strand). Cytogenetic location: 2p16.3.
Variant type: single nucleotide variant.
Coding change: c.2295C>G on transcript NM_000179.3 (MANE Select); coding-DNA position 2295, C replaced by G.
Protein change: p.Cys765Trp; replaces cysteine 765 with tryptophan.
Molecular consequence: missense variant.
Genome position (GRCh38, 1-based): chr2:47,800,278, C>G. VCF-style: chr2-47800278-C-G. GRCh37 (hg19) VCF-style: chr2-48027417-C-G.
Other names: c.1905C>G, p.Cys635Trp (NM_001281492.2); c.1389C>G, p.Cys463Trp (NM_001281493.2, NM_001281494.2); short protein forms C765W, C463W, C635W.
Identifiers: ClinVar variation 89265 (VCV000089265.15), dbSNP rs63750985, ClinGen allele CA009975.

ClinVar aggregate classification (germline): Conflicting classifications of pathogenicity. Review status: criteria provided, conflicting classifications (1 of 4 stars). 2 submissions from 2 submitters: Likely pathogenic (1); Uncertain significance (1). Last evaluated 2020-08-14.

Conditions:
Hereditary nonpolyposis colorectal neoplasms. Identifiers: MedGen C0009405, MeSH D003123.
Hereditary cancer-predisposing syndrome. Also called: Tumor predisposition; Hereditary Cancer Syndrome; Hereditary neoplastic syndrome; Neoplastic Syndromes, Hereditary. Identifiers: Orphanet 140162, MedGen C0027672, MeSH D009386, MONDO:0015356.

Submissions (2):

Labcorp Genetics (formerly Invitae), Labcorp
Classification: Uncertain significance for Hereditary nonpolyposis colorectal neoplasms. Last evaluated: 2020-08-14. Review status: criteria provided, single submitter. Criteria: Invitae Variant Classification Sherloc (09022015). Collection method: clinical testing. Allele origin: germline.
Comment: In summary, the available evidence is currently insufficient to determine the role of this variant in disease. Therefore, it has been classified as a Variant of Uncertain Significance. An algorithm developed specifically for the MSH6 gene suggests that this missense change is likely to be deleterious (PMID: 22290698, 23621914). However, this prediction has not been confirmed by published functional studies and its clinical significance is uncertain. This variant has been observed in individual(s) with colon or uterine cancer (PMID: 16418736). ClinVar contains an entry for this variant (Variation ID: 89265). This variant is not present in population databases (ExAC no frequency). This sequence change replaces cysteine with tryptophan at codon 765 of the MSH6 protein (p.Cys765Trp). The cysteine residue is highly conserved and there is a large physicochemical difference between cysteine and tryptophan.

Ambry Genetics
Classification: Likely pathogenic for Hereditary cancer-predisposing syndrome. Last evaluated: 2019-04-08. Review status: criteria provided, single submitter. Criteria: Ambry Variant Classification Scheme 2023. Collection method: clinical testing. Allele origin: germline.
Comment: The p.C765W variant (also known as c.2295C>G), located in coding exon 4 of the MSH6 gene, results from a C to G substitution at nucleotide position 2295. The cysteine at codon 765 is replaced by tryptophan, an amino acid with highly dissimilar properties. Based on an internal structural assessment, this alteration significantly disrupts the structure of the connector domain (Warren JJ et al. Mol. Cell, 2007 May;26:579-92). This variant was not reported in population-based cohorts in the Genome Aggregation Database (gnomAD) (Lek M et al. Nature, 2016 08;536:285-91). This amino acid position is highly conserved in available vertebrate species. In addition, this alteration is predicted to be deleterious by in silico analysis. In addition, the CoDP in silico tool predicts this alteration is likely to impair molecular function, with a score of 1.000 (Terui H et al. J. Biomed. Sci. 2013;20:25). This alteration was also predicted to be pathogenic by the PON-MMR consensus-based prediction model (Ali H et al. Hum. Mutat., 2012 Apr;33:642-50). Based on the majority of available evidence to date, this variant is likely to be pathogenic.

Literature cited by the submitters: PubMed 22290698 (cited by Labcorp Genetics (formerly Invitae), Labcorp and Ambry Genetics); PubMed 23621914 (cited by Labcorp Genetics (formerly Invitae), Labcorp and Ambry Genetics); PubMed 16418736 (cited by Labcorp Genetics (formerly Invitae), Labcorp and Ambry Genetics); PubMed 17531815 (cited by Ambry Genetics); PubMed 18709565 (cited by Ambry Genetics); PubMed 21674763 (cited by Ambry Genetics); PubMed 29967336 (cited by Ambry Genetics).